The following is an entry in ClinVar:

ClinVar aggregate classification (germline): Uncertain significance (1 of 4 stars; one submission).

Conditions:
Tuberous sclerosis syndrome (TSC). Also called: Tuberous Sclerosis Complex; Tuberous sclerosis. Identifiers: Orphanet 805, MedGen C0041341, MONDO:0001734.

Submission:

Color Diagnostics, LLC DBA Color Health
Classification: Uncertain significance for Tuberous sclerosis syndrome. Last evaluated: 2025-07-07. Review status: criteria provided, single submitter. Criteria: ACMG Guidelines, 2015. Collection method: clinical testing. Allele origin: germline.
Comment: This missense variant replaces glutamine with histidine at codon 956 of the TSC1 protein. Computational prediction suggests that this variant may not impact protein structure and function. To our knowledge, functional studies have not been reported for this variant. This variant has not been reported in individuals affected with TSC1-related disorders in the literature. This variant has not been identified in the general population by the Genome Aggregation Database (gnomAD). The available evidence is insufficient to determine the role of this variant in disease conclusively. Therefore, this variant is classified as a Variant of Uncertain Significance.

NM_000368.5(TSC1):c.2868G>C (p.Gln956His)

Gene: TSC1 (TSC complex subunit 1; minus strand). Cytogenetic location: 9q34.13.
Variant type: single nucleotide variant.
Coding change: c.2868G>C on transcript NM_000368.5 (MANE Select); coding-DNA position 2868, G replaced by C.
Protein change: p.Gln956His; replaces glutamine 956 with histidine.
Molecular consequence: missense variant. On other transcripts: non-coding transcript variant (5).
Genome position (GRCh38, 1-based): chr9:132,897,291, C>G on the plus strand (G>C on the coding strand, the complement: TSC1 is on the minus strand). VCF-style: chr9-132897291-C-G. GRCh37 (hg19) VCF-style: chr9-135772678-C-G.
Other names: c.2463G>C, p.Gln821His (NM_001406624.1); c.2460G>C, p.Gln820His (NM_001406625.1); c.1917G>C, p.Gln639His (NM_001406626.1); c.1914G>C, p.Gln638His (NM_001406627.1, NM_001406628.1); c.1815G>C, p.Gln605His (NM_001406629.1, NM_001406630.1); c.2865G>C, p.Gln955His (NM_001162426.2, NM_001406597.1, NM_001406598.1 and 2 more transcripts); c.2715G>C, p.Gln905His (NM_001162427.2, NM_001406610.1); c.2505G>C, p.Gln835His (NM_001362177.2, NM_001406614.1, NM_001406615.1 and 4 more transcripts); and 8 more; short protein forms Q605H, Q638H, Q639H, Q820H, Q821H, Q834H, Q835H, Q890H.
Identifiers: ClinVar variation 4756649 (VCV004756649.1).
Genomic context (GRCh38, chr9:132,897,291, plus strand): 5'-TTTCAGGAGGCCATCTTTCTCCAACCTGCCATATAAATCTAAGATCTCCAATTCAAACAC[C>G]TGGGTTATCCTTTTCTGAGCCTCATACCTGCTCTCTGCGGCCTGCAGCTGTCCTCTGAAA-3'
Protein context (NP_000359.1, residues 946-966): SRYEAQKRIT[Gln956His]VFELEILDLY